The following is an entry in ClinVar:

NM_000074.3(CD40LG):c.658C>T (p.Gln220Ter)

Gene: CD40LG (CD40 ligand; plus strand). Cytogenetic location: Xq26.3.
Variant type: single nucleotide variant.
Coding change: c.658C>T on transcript NM_000074.3 (MANE Select); coding-DNA position 658, C replaced by T.
Protein change: p.Gln220Ter; replaces glutamine 220 with a stop codon.
Molecular consequence: nonsense.
Genome position (GRCh38, 1-based): chrX:136,659,287, C>T. VCF-style: chrX-136659287-C-T. GRCh37 (hg19) VCF-style: chrX-135741446-C-T.
Other names: short protein forms Q220*.
Identifiers: ClinVar variation 426663 (VCV000426663.10), dbSNP rs1085307733, ClinGen allele CA414756355.

ClinVar aggregate classification (germline): Pathogenic. Review status: criteria provided, multiple submitters, no conflicts (2 of 4 stars). 2 submissions from 2 submitters: Pathogenic (2). Last evaluated 2022-10-29.

Conditions:
Hyper-IgM syndrome type 1. Also called: Hyper-IgM Immunodeficiency Syndrome, Type 1; CD40 Ligand Deficiency; X-linked hyper-IgM syndrome; Immunodeficiency, X-linked, with hyper-IgM. Identifiers: Orphanet 101088, MedGen C0398689, MONDO:0010626, OMIM 308230.

Submissions (2):

Labcorp Genetics (formerly Invitae), Labcorp
Classification: Pathogenic for Hyper-IgM syndrome type 1. Last evaluated: 2022-10-29. Review status: criteria provided, single submitter. Criteria: Invitae Variant Classification Sherloc (09022015). Collection method: clinical testing. Allele origin: germline.
Comment: This variant is not present in population databases (gnomAD no frequency). This premature translational stop signal has been observed in individual(s) with hyper IgM syndrome (PMID: 11038461, 15358621, 22963373). ClinVar contains an entry for this variant (Variation ID: 426663). For these reasons, this variant has been classified as Pathogenic. This sequence change creates a premature translational stop signal (p.Gln220*) in the CD40LG gene. While this is not anticipated to result in nonsense mediated decay, it is expected to disrupt the last 42 amino acid(s) of the CD40LG protein.

GeneDx
Classification: Pathogenic. Last evaluated: 2017-04-07. Review status: criteria provided, single submitter. Criteria: GeneDx Variant Classification (06012015). Collection method: clinical testing. Allele origin: germline. Affected: yes.
Comment: The Q220X nonsense variant in the CYBB gene has been reported previously in association with X-linked Hyper-IgM syndrome (Jayoussi-Assalia et al., 2000; Lee et al., 2005; Vargas-HernÃ¡ndez et al., 2013). While this variant is not predicted to result in nonsense-mediated decay, it is predicted to cause loss of normal protein function through protein truncation, as the final 42 amino acids are lost. The variant is not observed in large population cohorts (Lek et al., 2016; 1000 Genomes Consortium et al., 2015; Exome Variant Server). In summary, we consider this variant to be pathogenic.

Literature cited by the submitters: PubMed 11038461 (cited by Labcorp Genetics (formerly Invitae), Labcorp); PubMed 15358621 (cited by Labcorp Genetics (formerly Invitae), Labcorp); PubMed 22963373 (cited by Labcorp Genetics (formerly Invitae), Labcorp).